The following is an entry in ClinVar:

ClinVar aggregate classification (germline): Pathogenic. Review status: reviewed by expert panel (3 of 4 stars). 13 submissions from 13 submitters: Pathogenic (1). 12 of the submissions do not count toward it. Last evaluated 2016-09-08.

Conditions:
Hereditary cancer-predisposing syndrome. Also called: Neoplastic Syndromes, Hereditary; Hereditary neoplastic syndrome; Hereditary Cancer Syndrome; Tumor predisposition. Identifiers: Orphanet 140162, MedGen C0027672, MeSH D009386, MONDO:0015356.
Gastric cancer. Also called: Malignant tumor of stomach; Stomach cancer. Identifiers: MedGen C0024623, MeSH D013274, MONDO:0001056, OMIM 613659, HP:0012126.
Hereditary breast ovarian cancer syndrome. Also called: Hereditary breast and ovarian cancer syndrome (HBOC); Breast and ovarian cancer; BRCA1- and BRCA2-Associated Hereditary Breast and Ovarian Cancer; Hereditary breast and ovarian cancer syndrome; Hereditary breast and ovarian cancer; Hereditary breast and/or ovarian cancer syndrome. Identifiers: Orphanet 145, MedGen C0677776, MeSH D061325, MONDO:0003582. Disease mechanism: loss of function.
Breast-ovarian cancer, familial, susceptibility to, 2 (BROVCA2). Also called: BRCA2 Hereditary Breast and Ovarian Cancer. Identifiers: Orphanet 145, MedGen C2675520, MONDO:0012933, OMIM 612555. Disease mechanism: loss of function.
Familial cancer of breast. Also called: Hereditary breast cancer; hereditary breast carcinoma; BREAST CANCER, FAMILIAL. Identifiers: Orphanet 227535, MedGen C0346153, MONDO:0016419, OMIM 114480. Disease mechanism: loss of function.

Submissions (13):

Evidence-based Network for the Interpretation of Germline Mutant Alleles (ENIGMA)
Classification: Pathogenic for Breast-ovarian cancer, familial, susceptibility to, 2. Last evaluated: 2016-09-08. Review status: reviewed by expert panel. Criteria: ENIGMA BRCA1/2 Classification Criteria (2015). Collection method: curation. Allele origin: germline.
Comment: Variant allele predicted to encode a truncated non-functional protein.

CeGaT Center for Human Genetics Tuebingen
Classification: Pathogenic. Last evaluated: 2026-08-01. Review status: criteria provided, single submitter. Criteria: CeGaT Center For Human Genetics Tuebingen Variant Classification Criteria Version 2. Collection method: clinical testing. Allele origin: germline. Affected: yes. Observed: 1 variant allele. Not counted in ClinVar's aggregate classification.
Comment: BRCA2: PVS1, PM2, PS4:Moderate

Ambry Genetics
Classification: Pathogenic for Hereditary cancer-predisposing syndrome. Last evaluated: 2026-02-13. Review status: criteria provided, single submitter. Criteria: Ambry Variant Classification Scheme 2023. Collection method: clinical testing. Allele origin: germline. Not counted in ClinVar's aggregate classification.
Comment: The p.Q1994* pathogenic mutation (also known as c.5980C>T), located in coding exon 10 of the BRCA2 gene, results from a C to T substitution at nucleotide position 5980. This changes the amino acid from a glutamine to a stop codon within coding exon 10. This variant is considered to be rare based on population cohorts in the Genome Aggregation Database (gnomAD). This alteration is expected to result in loss of function by premature protein truncation or nonsense-mediated mRNA decay. As such, this alteration is interpreted as a disease-causing mutation.

Labcorp Genetics (formerly Invitae), Labcorp
Classification: Pathogenic for Hereditary breast ovarian cancer syndrome. Last evaluated: 2025-12-14. Review status: criteria provided, single submitter. Criteria: Invitae Variant Classification Sherloc (09022015). Collection method: clinical testing. Allele origin: germline. Not counted in ClinVar's aggregate classification.
Comment: This sequence change creates a premature translational stop signal (p.Gln1994*) in the BRCA2 gene. It is expected to result in an absent or disrupted protein product. Loss-of-function variants in BRCA2 are known to be pathogenic (PMID: 20104584). This variant is not present in population databases (gnomAD no frequency). This premature translational stop signal has been observed in individual(s) with breast and/or ovarian cancer (PMID: 12955716, 14517958). This variant is also known as 6208C>T. ClinVar contains an entry for this variant (Variation ID: 38011). For these reasons, this variant has been classified as Pathogenic.

Quest Diagnostics Nichols Institute San Juan Capistrano
Classification: Pathogenic. Last evaluated: 2024-11-21. Review status: criteria provided, single submitter. Criteria: Quest Diagnostics criteria. Collection method: clinical testing. Allele origin: unknown. Not counted in ClinVar's aggregate classification.
Comment: The BRCA2 c.5980C>T (p.Gln1994*) variant causes the premature termination of BRCA2 protein synthesis. This variant has been reported in the published literature in individuals/families affected with breast and/or ovarian cancer (PMIDs: 38355628 (2024), 38566028 (2024), 14517958 (2003), 12955716 (2003), 12402332 (2002)). This variant has not been reported in large, multi-ethnic general populations (Genome Aggregation Database). Based on the available information, this variant is classified as pathogenic.

Molecular Diagnostics Laboratory, Catalan Institute of Oncology
Classification: Pathogenic for Hereditary cancer-predisposing syndrome. Last evaluated: 2024-11-12. Review status: criteria provided, single submitter. Criteria: ClinGen BRCA1BRCA2 ACMG Specifications BRCA2 V1.0.0. Collection method: clinical testing. Allele origin: germline. Not counted in ClinVar's aggregate classification.
Comment: PVS1, PM2_supporting, PM5_PTC_Strong c.5980C>T located in exon 11 of the BRCA2 gene, is a nonsense variant expected to result in loss of function by premature protein truncation and nonsense-mediated mRNA decay, p.(Gln1994*) (PVS1, PM5_PTC_Strong). It is not present in the population database gnomAD v2.1.1, non cancer dataset (PM2_supporting). The SpliceAI algorithm predicts no significant impact on splicing. To our knowledge, no well-stablished functional studies have been reported for this variant. In addition, this variant has been reported in the ClinVar database (9x pathogenic), in the LOVD database (6x pathogenic) and in the BRCA Exchange database as a pathogenic variant (‘Variant allele predicted to encode a truncated non-functional protein’). Based on currently available information, the variant c.5980C>T should be considered a pathogenic variant.

Revvity Omics, Revvity
Classification: Pathogenic. Last evaluated: 2022-09-30. Review status: criteria provided, single submitter. Criteria: ACMG Guidelines, 2015. Collection method: clinical testing. Allele origin: germline. Not counted in ClinVar's aggregate classification.

Color Diagnostics, LLC DBA Color Health
Classification: Pathogenic for Hereditary cancer-predisposing syndrome. Last evaluated: 2022-01-20. Review status: criteria provided, single submitter. Criteria: ACMG Guidelines, 2015. Collection method: clinical testing. Allele origin: germline. Not counted in ClinVar's aggregate classification.
Comment: This variant changes 1 nucleotide in exon 11 of the BRCA2 gene, creating a premature translation stop signal. This variant is expected to result in an absent or non-functional protein product. This variant has been reported in individuals affected with breast and/or ovarian cancer (PMID: 12402332, 12955716, 14517958). This variant has not been identified in the general population by the Genome Aggregation Database (gnomAD). Loss of BRCA2 function is a known mechanism of disease. Based on the available evidence, this variant is classified as Pathogenic.

Baylor Genetics
Classification: Pathogenic for Familial cancer of breast. Last evaluated: 2017-02-23. Review status: criteria provided, single submitter. Criteria: ACMG Guidelines, 2015. Collection method: clinical testing. Allele origin: germline. Inheritance: Autosomal dominant inheritance. Affected: yes. Observed: 1 variant allele. Not counted in ClinVar's aggregate classification.

Consortium of Investigators of Modifiers of BRCA1/2 (CIMBA), c/o University of Cambridge
Classification: Pathogenic for Breast-ovarian cancer, familial, susceptibility to, 2. Last evaluated: 2015-10-02. Review status: criteria provided, single submitter. Criteria: CIMBA Mutation Classification guidelines May 2016. Collection method: clinical testing. Allele origin: germline. Not counted in ClinVar's aggregate classification.

Laboratory for Genotyping Development, RIKEN
Classification: Pathogenic for Gastric cancer. Last evaluated: 2021-07-01. Review status: no assertion criteria provided. Collection method: research. Allele origin: germline. Not counted in ClinVar's aggregate classification.

Sharing Clinical Reports Project (SCRP)
Classification: Pathogenic for Breast-ovarian cancer, familial 2. Last evaluated: 2006-12-04. Review status: no assertion criteria provided. Collection method: clinical testing. Allele origin: germline. Not counted in ClinVar's aggregate classification.

Breast Cancer Information Core (BIC) (BRCA2)
Classification: Pathogenic for Breast-ovarian cancer, familial 2. Last evaluated: 2004-02-20. Review status: no assertion criteria provided. Collection method: clinical testing. Allele origin: germline. Affected: yes. Observed: 2 variant alleles. Not counted in ClinVar's aggregate classification.

Literature cited by the submitters: PubMed 20104584 (cited by Labcorp Genetics (formerly Invitae), Labcorp); PubMed 12955716 (cited by 3 submitters); PubMed 14517958 (cited by 3 submitters); PubMed 12402332 (cited by Quest Diagnostics Nichols Institute San Juan Capistrano and Color Diagnostics, LLC DBA Color Health); PubMed 38355628 (cited by Quest Diagnostics Nichols Institute San Juan Capistrano); PubMed 38566028 (cited by Quest Diagnostics Nichols Institute San Juan Capistrano); PubMed 36988593 (cited by Laboratory for Genotyping Development, RIKEN).

NM_000059.4(BRCA2):c.5980C>T (p.Gln1994Ter)

Gene: BRCA2 (BRCA2 DNA repair associated; plus strand). Cytogenetic location: 13q13.1.
Variant type: single nucleotide variant.
Coding change: c.5980C>T on transcript NM_000059.4 (MANE Select); coding-DNA position 5980, C replaced by T.
Protein change: p.Gln1994Ter; replaces glutamine 1994 with a stop codon.
Molecular consequence: nonsense.
Genome position (GRCh38, 1-based): chr13:32,340,335, C>T. VCF-style: chr13-32340335-C-T. GRCh37 (hg19) VCF-style: chr13-32914472-C-T.
Other names: short protein forms Q1994*.
Identifiers: ClinVar variation 38011 (VCV000038011.40), dbSNP rs80358831, ClinGen allele CA023442.